The following is an entry in ClinVar:

GRCh37/hg19 15q21.1(chr15:48782048-48782275)

Gene: FBN1 (fibrillin 1; minus strand). Cytogenetic location: 15q21.1.
Variant type: copy number loss.
Identifiers: ClinVar variation 1325462 (VCV001325462.2).

ClinVar aggregate classification (germline): Likely pathogenic (1 of 4 stars; one submission).

Conditions:
Marfan syndrome (MFS). Also called: Marfan syndrome type 1; Marfan's syndrome; FBN1-Related Marfan Syndrome; MARFAN SYNDROME, TYPE I; Marfan syndrome, classic. Identifiers: Orphanet 284963, Orphanet 558, MedGen C0024796, MONDO:0007947, OMIM 154700.

Submission:

Centre of Medical Genetics, University of Antwerp
Classification: Likely pathogenic for Marfan syndrome. Last evaluated: 2021-03-01. Review status: criteria provided, single submitter. Criteria: Submitter's publication. Collection method: research. Allele origin: unknown. Affected: yes.
Comment: PM2, PS7, PP4